The following is an entry in ClinVar:

ClinVar aggregate classification (germline): Benign/Likely benign. Review status: criteria provided, multiple submitters, no conflicts (2 of 4 stars). 8 submissions from 8 submitters: Benign (4); Likely benign (1). 3 of the submissions do not count toward it. Last evaluated 2026-09-01.

Conditions:
CSF1R-related disorder. Also called: CSF1R-related condition. Identifiers: MedGen CN379780, MONDO:0100632.
Hereditary diffuse leukoencephalopathy with spheroids. Also called: LEUKOENCEPHALOPATHY, ADULT-ONSET, WITH AXONAL SPHEROIDS AND PIGMENTED GLIA. Identifiers: Orphanet 313808, MedGen C3711381, MONDO:0030796.

Allele frequency attached by ClinVar (database versions not stated): 1000 Genomes Project 30x 0.00203; 1000 Genomes Project 0.00240; TOPMed 0.00578; ESP Exome Variant Server 0.00700; gnomAD 0.00727 and 0.00742; gnomAD exomes 0.00813 and 0.00934; ExAC 0.00917.
gnomAD v4.1: 14,674 of 1,614,082 alleles (0.91%); highest among the groups gnomAD compares: Non-Finnish European, 1.1%; 98 homozygotes.

Submissions (8):

CeGaT Center for Human Genetics Tuebingen
Classification: Benign. Last evaluated: 2026-09-01. Review status: criteria provided, single submitter. Criteria: CeGaT Center For Human Genetics Tuebingen Variant Classification Criteria Version 2. Collection method: clinical testing. Allele origin: germline. Affected: yes. Observed: 33 variant alleles.
Comment: CSF1R: BP4, BS1, BS2

Labcorp Genetics (formerly Invitae), Labcorp
Classification: Benign. Last evaluated: 2026-01-27. Review status: criteria provided, single submitter. Criteria: Invitae Variant Classification Sherloc (09022015). Collection method: clinical testing. Allele origin: germline.

Blueprint Genetics
Classification: Likely benign. Last evaluated: 2024-11-26. Review status: criteria provided, single submitter. Criteria: ACMG Guidelines, 2015. Collection method: clinical testing. Allele origin: germline.

Mayo Clinic Laboratories, Mayo Clinic
Classification: Benign. Last evaluated: 2023-02-22. Review status: criteria provided, single submitter. Criteria: ACMG Guidelines, 2015. Collection method: clinical testing. Allele origin: germline. Observed: 28 variant alleles.
Comment: BS1, BS2, BP4, BP7

Illumina Laboratory Services, Illumina
Classification: Benign for Leukoencephalopathy, diffuse hereditary, with spheroids 1. Last evaluated: 2018-01-13. Review status: criteria provided, single submitter. Criteria: ICSL Variant Classification Criteria 13 December 2019. Collection method: clinical testing. Allele origin: germline.
Comment: This variant was observed in the ICSL laboratory as part of a predisposition screen in an ostensibly healthy population. It had not been previously curated by ICSL or reported in the Human Gene Mutation Database (HGMD: prior to June 1st, 2018), and was therefore a candidate for classification through an automated scoring system. Utilizing variant allele frequency, disease prevalence and penetrance estimates, and inheritance mode, an automated score was calculated to assess if this variant is too frequent to cause the disease. Based on the score and internal cut-off values, a variant classified as benign is not then subjected to further curation. The score for this variant resulted in a classification of benign for this disease.

PreventionGenetics, part of Exact Sciences
Classification: Benign for CSF1R-related condition. Last evaluated: 2019-06-05. Review status: no assertion criteria provided. Collection method: clinical testing. Allele origin: germline. Not counted in ClinVar's aggregate classification.
Comment: This variant is classified as benign based on ACMG/AMP sequence variant interpretation guidelines (Richards et al. 2015 PMID: 25741868, with internal and published modifications).

Genome Diagnostics Laboratory, Amsterdam University Medical Center
Classification: Benign. Review status: no assertion criteria provided. Collection method: clinical testing. Allele origin: germline. Affected: yes. Study: VKGL Data-share Consensus. Not counted in ClinVar's aggregate classification.

Laboratory of Diagnostic Genome Analysis, Leiden University Medical Center (LUMC)
Classification: Likely benign. Review status: no assertion criteria provided. Collection method: clinical testing. Allele origin: germline. Affected: yes. Study: VKGL Data-share Consensus. Not counted in ClinVar's aggregate classification.

Literature cited by the submitters: PubMed 23889897 (cited by Mayo Clinic Laboratories, Mayo Clinic).

NM_001288705.3(CSF1R):c.2709C>T (p.Phe903=)

Gene: CSF1R (colony stimulating factor 1 receptor; minus strand). Cytogenetic location: 5q32.
Variant type: single nucleotide variant.
Coding change: c.2709C>T on transcript NM_001288705.3 (MANE Select); coding-DNA position 2709, C replaced by T.
Protein change: p.Phe903=; no amino-acid change (phenylalanine 903 retained).
Molecular consequence: synonymous variant. On other transcripts: non-coding transcript variant (2).
Genome position (GRCh38, 1-based): chr5:150,054,376, G>A on the plus strand (C>T on the coding strand, the complement: CSF1R is on the minus strand). VCF-style: chr5-150054376-G-A. GRCh37 (hg19) VCF-style: chr5-149433939-G-A.
Other names: p.Phe903=; c.2709C>T, p.Phe903= (NM_001349736.2, NM_001375320.1, NM_005211.4); c.2265C>T, p.Phe755= (NM_001375321.1).
Identifiers: ClinVar variation 352130 (VCV000352130.49), dbSNP rs41287094, ClinGen allele CA3506375.